The following is an entry in ClinVar:

NM_021922.3(FANCE):c.1463C>G (p.Ala488Gly)

Gene: FANCE (FA complementation group E; plus strand). Cytogenetic location: 6p21.31.
Variant type: single nucleotide variant.
Coding change: c.1463C>G on transcript NM_021922.3 (MANE Select); coding-DNA position 1463, C replaced by G.
Protein change: p.Ala488Gly; replaces alanine 488 with glycine.
Molecular consequence: missense variant.
Genome position (GRCh38, 1-based): chr6:35,462,868, C>G. VCF-style: chr6-35462868-C-G. GRCh37 (hg19) VCF-style: chr6-35430645-C-G.
Other names: short protein forms A488G.
Identifiers: ClinVar variation 929580 (VCV000929580.1), dbSNP rs4713869, ClinGen allele CA137302641.
Genomic context (GRCh38, chr6:35,462,868, plus strand): 5'-AGTTCAGTGTCTTAATGGAGAAGCTCTGTAAAAAGGGGCTGGCAGCCACCACCTCCATGG[C>G]CTATGCCAAGCTCATGCTGACAGTGATGACCAAGTATCAGGCTAACGTGAGTATTGATAG-3'
Protein context (NP_068741.1, residues 478-498): KKGLAATTSM[Ala488Gly]YAKLMLTVMT

ClinVar aggregate classification (germline): Uncertain significance (0 of 4 stars; one submission).

Submission:

Leiden Open Variation Database
Classification: Uncertain significance. Last evaluated: 2011-02-07. Review status: no assertion criteria provided. Collection method: curation. Allele origin: germline. Affected: yes.
Comment: Curator: Arleen D. Auerbach. Submitter to LOVD: Arleen D. Auerbach.